The following is an entry in ClinVar:

ClinVar aggregate classification (germline): Pathogenic (1 of 4 stars; one submission).

Submission:

GeneDx
Classification: Pathogenic. Last evaluated: 2017-10-24. Review status: criteria provided, single submitter. Criteria: GeneDx Variant Classification (06012015). Collection method: clinical testing. Allele origin: germline. Affected: yes.
Comment: The c.2805_2811delGTCTTAC variant in the DOCK8 gene has not been reported previously as a pathogenic variant nor as a benign variant, to our knowledge. The c.2805_2811delGTCTTAC variant causes a frameshift starting with codon Methionine 935, changes this amino acid to a Isoleucine residue, and creates a premature Stop codon at position 39 of the new reading frame, denoted p.Met935IlefsX39. This variant is predicted to cause loss of normal protein function either through protein truncation or nonsense-mediated mRNA decay. The c.2805_2811delGTCTTAC variant is not observed in large population cohorts (Lek et al., 2016). We interpret c.2805_2811delGTCTTAC as a pathogenic variant.

NM_203447.4(DOCK8):c.2805_2811del (p.Met935fs)

Gene: DOCK8 (dedicator of cytokinesis 8; plus strand). Cytogenetic location: 9p24.3.
Variant type: Deletion.
Coding change: c.2805_2811del on transcript NM_203447.4 (MANE Select); coding-DNA positions 2805 to 2811, 7 bases deleted (GTCTTAC; older notation c.2805_2811delGTCTTAC).
Protein change: p.Met935fs; shifts the reading frame from methionine 935.
Molecular consequence: frameshift variant. On other transcripts: intron variant (1).
Genome position (GRCh38, 1-based): chr9:386,357-386,363, GTCTTAC deleted. VCF-style (leftmost placement, unchanged base first): chr9-386356-TGTCTTAC-T. GRCh37 (hg19) VCF-style: chr9-386356-TGTCTTAC-T.
Other names: c.2601_2607del, p.Met867fs (NM_001193536.2); c.2574+3672_2574+3678del (NM_001190458.2); c.2805_2811delGTCTTAC (NM_203447.3); short protein forms M867fs, M935fs.
Identifiers: ClinVar variation 452218 (VCV000452218.2), dbSNP rs1554687151, ClinGen allele CA658657848.
Genomic context (GRCh38, chr9:386,356, plus strand): 5'-TGGTTGACTGTTAAGCCATGGTTTGTGTATTTTAGATCGCCGATCGCAACTGCAGCCGAA[TGTCTTAC>T]TATTGCTCTGGCAGTAGTGATGCTCCAAGTTCACCTGCAGCCCCAAGGCCAGCCAGCAAA-3'